The following is an entry in ClinVar:

NM_001367624.2(ZNF469):c.6056A>G (p.Asn2019Ser)

Gene: ZNF469 (zinc finger protein 469; plus strand). Cytogenetic location: 16q24.2.
Variant type: single nucleotide variant.
Coding change: c.6056A>G on transcript NM_001367624.2 (MANE Select); coding-DNA position 6056, A replaced by G.
Protein change: p.Asn2019Ser; replaces asparagine 2019 with serine.
Molecular consequence: missense variant.
Genome position (GRCh38, 1-based): chr16:88,433,526, A>G. VCF-style: chr16-88433526-A-G. GRCh37 (hg19) VCF-style: chr16-88499934-A-G.
Other names: p.Asn2019Ser; short protein forms N2019S.
Identifiers: ClinVar variation 4542070 (VCV004542070.1).
Genomic context (GRCh38, chr16:88,433,526, plus strand): 5'-ACCAGCTTCAGCCAGAGAACGGGGTGAGCCCAGGGGGCACGGACAACCACGCCTCAGTCA[A>G]TGCCAGTCCCAAAACAGCGCTGACCGGCCCCACCGAGGGTGCAGTCCTGCTAGAGAAATG-3'
Protein context (NP_001354553.1, residues 2009-2029): PGGTDNHASV[Asn2019Ser]ASPKTALTGP

ClinVar aggregate classification (germline): Uncertain significance (1 of 4 stars; one submission).

gnomAD v4.1: 1 of 1,550,298 alleles (0.000065%); highest among the groups gnomAD compares: Non-Finnish European, 0.000087%; no homozygotes.

Submission:

Mayo Clinic Laboratories, Mayo Clinic
Classification: Uncertain significance. Last evaluated: 2025-03-21. Review status: criteria provided, single submitter. Criteria: ACMG Guidelines, 2015. Collection method: clinical testing. Allele origin: germline. Observed: 1 variant allele.
Comment: BP4_moderate, PM2_supporting